The following is an entry in ClinVar:

NM_182961.4(SYNE1):c.23240T>A (p.Ile7747Asn)

Gene: SYNE1 (spectrin repeat containing nuclear envelope protein 1; minus strand). Cytogenetic location: 6q25.2.
Variant type: single nucleotide variant.
Coding change: c.23240T>A on transcript NM_182961.4 (MANE Select); coding-DNA position 23240, T replaced by A.
Protein change: p.Ile7747Asn; replaces isoleucine 7747 with asparagine.
Molecular consequence: missense variant.
Genome position (GRCh38, 1-based): chr6:152,189,313, A>T on the plus strand (T>A on the coding strand, the complement: SYNE1 is on the minus strand). VCF-style: chr6-152189313-A-T. GRCh37 (hg19) VCF-style: chr6-152510448-A-T.
Other names: c.23027T>A, p.Ile7676Asn (NM_033071.5); short protein forms I7676N, I7747N.
Identifiers: ClinVar variation 448585 (VCV000448585.5), dbSNP rs1435183530, ClinGen allele CA366094163.
Genomic context (GRCh38, chr6:152,189,313, plus strand): 5'-TGGTGGCATAGTTCTTCCCACTGCCTTTGCAGAAGCTCTACGCGTTCATTAAGAATGGAG[A>T]TATCATCAGCACTGATATAGGCAGAGAGGGTGTCCTTCAGCAGGCTCAACTGGGTCAAGT-3'
Protein context (NP_892006.3, residues 7737-7757): TLSAYISADD[Ile7747Asn]SILNERVELL

ClinVar aggregate classification (germline): Uncertain significance. Review status: criteria provided, multiple submitters, no conflicts (2 of 4 stars). 2 submissions from 2 submitters: Uncertain significance (2). Last evaluated 2022-08-12.

Conditions:
Emery-Dreifuss muscular dystrophy 4, autosomal dominant (EDMD4). Also called: EMERY-DREIFUSS MUSCULAR DYSTROPHY 4 WITH VARIABLE FEATURES. Identifiers: Orphanet 261, MedGen C2751807, MONDO:0013071, OMIM 612998.
Autosomal recessive ataxia, Beauce type. Also called: Spinocerebellar ataxia, autosomal recessive 8; ATAXIA, RECESSIVE, OF BEAUCE; SYNE1-Related Autosomal Recessive Cerebellar Ataxia; SYNE1 Deficiency. Identifiers: Orphanet 88644, MedGen C1853116, MONDO:0012549, OMIM 610743.

Allele frequency attached by ClinVar (database versions not stated): gnomAD exomes below 0.00001; gnomAD 0.00001 and 0.00002; TOPMed 0.00001.
gnomAD v4.1: 3 of 1,613,994 alleles (0.00019%); highest among the groups gnomAD compares: African/African-American, 0.0027%; no homozygotes.

Submissions (2):

Labcorp Genetics (formerly Invitae), Labcorp
Classification: Uncertain significance for Emery-Dreifuss muscular dystrophy 4, autosomal dominant; Autosomal recessive ataxia, Beauce type. Last evaluated: 2022-08-12. Review status: criteria provided, single submitter. Criteria: Invitae Variant Classification Sherloc (09022015). Collection method: clinical testing. Allele origin: germline.
Comment: This variant has not been reported in the literature in individuals affected with SYNE1-related conditions. ClinVar contains an entry for this variant (Variation ID: 448585). This variant is not present in population databases (gnomAD no frequency). This sequence change replaces isoleucine, which is neutral and non-polar, with asparagine, which is neutral and polar, at codon 7676 of the SYNE1 protein (p.Ile7676Asn). In summary, the available evidence is currently insufficient to determine the role of this variant in disease. Therefore, it has been classified as a Variant of Uncertain Significance. Algorithms developed to predict the effect of missense changes on protein structure and function (SIFT, PolyPhen-2, Align-GVGD) all suggest that this variant is likely to be disruptive.

Athena Diagnostics
Classification: Uncertain significance. Last evaluated: 2016-10-13. Review status: criteria provided, single submitter. Criteria: Athena Diagnostics Criteria. Collection method: clinical testing. Allele origin: germline.